The following is an entry in ClinVar:

ClinVar aggregate classification (germline): Uncertain significance (1 of 4 stars; one submission).

Conditions:
Fetal akinesia deformation sequence 1 (FADS1). Also called: Fetal akinesia sequence; Pena-Shokeir syndrome type I. Identifiers: Orphanet 994, MedGen C1276035, MONDO:0100101, OMIM 208150, HP:0001989.
Congenital myasthenic syndrome 10. Also called: Myasthenia, limb-girdle, familial. Identifiers: Orphanet 590, MedGen C1850792, MONDO:0009690, OMIM 254300.

gnomAD v4.1: 2 of 1,572,516 alleles (0.00013%); highest among the groups gnomAD compares: Non-Finnish European, 0.000086%; no homozygotes.

Submission:

Labcorp Genetics (formerly Invitae), Labcorp
Classification: Uncertain significance for Congenital myasthenic syndrome 10; Fetal akinesia deformation sequence 1. Last evaluated: 2022-06-27. Review status: criteria provided, single submitter. Criteria: Invitae Variant Classification Sherloc (09022015). Collection method: clinical testing. Allele origin: germline.
Comment: This sequence change replaces alanine, which is neutral and non-polar, with glycine, which is neutral and non-polar, at codon 251 of the DOK7 protein (p.Ala251Gly). This variant is not present in population databases (gnomAD no frequency). This variant has not been reported in the literature in individuals affected with DOK7-related conditions. Algorithms developed to predict the effect of missense changes on protein structure and function (SIFT, PolyPhen-2, Align-GVGD) all suggest that this variant is likely to be tolerated. In summary, the available evidence is currently insufficient to determine the role of this variant in disease. Therefore, it has been classified as a Variant of Uncertain Significance.

NM_173660.5(DOK7):c.752C>G (p.Ala251Gly)

Genes: DOK7 (docking protein 7; plus strand), LOC129992118 (ATAC-STARR-seq lymphoblastoid silent region 15206; plus strand). Cytogenetic location: 4p16.3.
Variant type: single nucleotide variant.
Coding change: c.752C>G on transcript NM_173660.5 (MANE Select); coding-DNA position 752, C replaced by G.
Protein change: p.Ala251Gly; replaces alanine 251 with glycine.
Molecular consequence: missense variant. On other transcripts: 5 prime UTR variant (1).
Genome position (GRCh38, 1-based): chr4:3,489,776, C>G. VCF-style: chr4-3489776-C-G. GRCh37 (hg19) VCF-style: chr4-3491503-C-G.
Other names: c.741C>G, p.Cys247Trp (NM_001164673.2); c.-179C>G (NM_001256896.2); c.752C>G, p.Ala251Gly (NM_001301071.2); c.320C>G, p.Ala107Gly (NM_001363811.2); short protein forms A251G, C247W, A107G.
Identifiers: ClinVar variation 1907306 (VCV001907306.2), dbSNP rs376251309, ClinGen allele CA356115729.
Genomic context (GRCh38, chr4:3,489,776, plus strand): 5'-TGGCCCAGGAAGCCCTGGAAACCCTACAGCTGGAGAAGCGGCTGAGCCTCCTCTCACATG[C>G]GGGCAGGCCGGGCAGTGGAGGTAGGGCCGGGGGCTGACCTGGGCTGTGGGACCTCGGCTA-3'
Protein context (NP_775931.3, residues 241-261): LEKRLSLLSH[Ala251Gly]GRPGSGGDDR